The following is an entry in ClinVar:

NM_025136.4(OPA3):c.389CGCTGG[1] (p.130AL[1])

Genes: OPA3 (outer mitochondrial membrane lipid metabolism regulator OPA3; minus strand), OPA3-RTN2 (OPA3-RTN2 readthrough; minus strand). Cytogenetic location: 19q13.32.
Variant type: Microsatellite.
Coding change: c.389CGCTGG[1] on transcript NM_025136.4 (MANE Select); one copy of the 6-base unit CGCTGG starting at c.389; the reference has two copies in a row; one copy, 6 bases deleted.
Protein change: p.130AL[1].
Molecular consequence: inframe deletion. On other transcripts: intron variant (1).
Genome position (GRCh38, 1-based): chr19:45,553,654-45,553,659, CCAGCG deleted on the plus strand (CGCTGG on the coding strand, the reverse complement: OPA3 is on the minus strand); deleting any 6 consecutive bases within chr19:45,553,654-45,553,669 gives the same sequence; the position shown is the placement nearest the transcript's 3' end. VCF-style (leftmost placement, unchanged base first): chr19-45553653-TCCAGCG-T. GRCh37 (hg19) VCF-style: chr19-46056911-TCCAGCG-T.
Other names: c.143-24203_143-24198del (NM_001017989.3).
Identifiers: ClinVar variation 3750957 (VCV003750957.2).
Genomic context (GRCh38, chr19:45,553,653, plus strand): 5'-GTGCGCAGTTCCTCCAGGGCGCCCTGTGGCGGCGCCGCCTGCACCTGCGCCTGCAGCGCT[TCCAGCG>T]CCAGCGCCAGGTGGCCCACCTCGTCCCGCAGCGCGTTCCAGGCAGCACGCTGCTCCTCCT-3'

ClinVar aggregate classification (germline): Uncertain significance (1 of 4 stars; one submission).

Conditions:
Optic atrophy 3 (OPA3). Also called: OPTIC ATROPHY 3, AUTOSOMAL DOMINANT; Optic atrophy, cataract, and neurologic disorder; Optic atrophy 3 with cataract. Identifiers: Orphanet 67036, MedGen C1833809, MONDO:0008133, OMIM 165300.
3-Methylglutaconic aciduria type 3 (MGCA3). Also called: OPA3, AUTOSOMAL RECESSIVE; OPTIC ATROPHY 3, AUTOSOMAL RECESSIVE; OPA3-Related 3-Methylglutaconic Aciduria; Costeff Syndrome. Identifiers: Orphanet 67047, MedGen C0574084, MONDO:0009787, OMIM 258501.

Submission:

Labcorp Genetics (formerly Invitae), Labcorp
Classification: Uncertain significance for 3-Methylglutaconic aciduria type 3; Optic atrophy 3. Last evaluated: 2024-03-02. Review status: criteria provided, single submitter. Criteria: Invitae Variant Classification Sherloc (09022015). Collection method: clinical testing. Allele origin: germline.
Comment: This variant, c.395_400del, results in the deletion of 2 amino acid(s) of the OPA3 protein (p.Ala132_Leu133del), but otherwise preserves the integrity of the reading frame. This variant is not present in population databases (gnomAD no frequency). This variant has not been reported in the literature in individuals affected with OPA3-related conditions. Experimental studies and prediction algorithms are not available or were not evaluated, and the functional significance of this variant is currently unknown. In summary, the available evidence is currently insufficient to determine the role of this variant in disease. Therefore, it has been classified as a Variant of Uncertain Significance.